The following is an entry in ClinVar:

NM_001351132.2(PEX5):c.919C>T (p.Pro307Ser)

Gene: PEX5 (peroxisomal biogenesis factor 5; plus strand). Cytogenetic location: 12p13.31.
Variant type: single nucleotide variant.
Coding change: c.919C>T on transcript NM_001351132.2 (MANE Select); coding-DNA position 919, C replaced by T.
Protein change: p.Pro307Ser; replaces proline 307 with serine.
Molecular consequence: missense variant.
Genome position (GRCh38, 1-based): chr12:7,203,504, C>T. VCF-style: chr12-7203504-C-T. GRCh37 (hg19) VCF-style: chr12-7356100-C-T.
Other names: c.895C>T, p.Pro299Ser (NM_000319.5); c.964C>T, p.Pro322Ser (NM_001131023.2); c.808C>T, p.Pro270Ser (NM_001131024.2, NM_001351124.3, NM_001351126.2 and 7 more transcripts); c.919C>T, p.Pro307Ser (NM_001131025.2, NM_001131026.2, NM_001300789.3 and 5 more transcripts); c.853C>T, p.Pro285Ser (NM_001351135.3, NM_001351138.2); c.784C>T, p.Pro262Ser (NM_001351139.2, NM_001351140.2, NM_001374649.2); short protein forms P285S, P307S, P270S, P262S, P299S, P322S.
Identifiers: ClinVar variation 2126026 (VCV002126026.2), dbSNP rs1003847950, ClinGen allele CA232472393.
Genomic context (GRCh38, chr12:7,203,504, plus strand): 5'-TTCTGGGACAAGTTGCAGGCAGAGTTGGAGGAGATGGCAAAACGGGATGCTGAGGCCCAC[C>T]CCTGGCTTTCTGACTATGATGACCTTACGTCAGCTACCTATGATAAGGTGAGGTAAAAAC-3'
Protein context (NP_001338061.1, residues 297-317): EMAKRDAEAH[Pro307Ser]WLSDYDDLTS

ClinVar aggregate classification (germline): Uncertain significance (1 of 4 stars; one submission).

Conditions:
Peroxisome biogenesis disorder 2B (PBD2B). Identifiers: Orphanet 44, MedGen C3550234, MONDO:0008736, OMIM 202370.

Submission:

Labcorp Genetics (formerly Invitae), Labcorp
Classification: Uncertain significance for Peroxisome biogenesis disorder 2B. Last evaluated: 2022-04-13. Review status: criteria provided, single submitter. Criteria: Invitae Variant Classification Sherloc (09022015). Collection method: clinical testing. Allele origin: germline.
Comment: This sequence change replaces proline, which is neutral and non-polar, with serine, which is neutral and polar, at codon 307 of the PEX5 protein (p.Pro307Ser). This variant is not present in population databases (gnomAD no frequency). This variant has not been reported in the literature in individuals affected with PEX5-related conditions. Algorithms developed to predict the effect of missense changes on protein structure and function are either unavailable or do not agree on the potential impact of this missense change (SIFT: "Deleterious"; PolyPhen-2: "Benign"; Align-GVGD: "Class C0"). In summary, the available evidence is currently insufficient to determine the role of this variant in disease. Therefore, it has been classified as a Variant of Uncertain Significance.